The following is an entry in ClinVar:

ClinVar aggregate classification (germline): Uncertain significance (1 of 4 stars; one submission).

Conditions:
Malignant hyperthermia, susceptibility to, 5 (MHS5). Also called: CACNA1S-Related Malignant Hyperthermia Susceptibility. Identifiers: Orphanet 423, MedGen C1866077, MONDO:0011163, OMIM 601887.

gnomAD v4.1: 1 of 1,587,508 alleles (0.000063%); highest among the groups gnomAD compares: Non-Finnish European, 0.000086%; no homozygotes.

Submission:

Color Diagnostics, LLC DBA Color Health
Classification: Uncertain significance for Malignant hyperthermia, susceptibility to, 5. Last evaluated: 2025-09-08. Review status: criteria provided, single submitter. Criteria: ACMG Guidelines, 2015. Collection method: clinical testing. Allele origin: germline.
Comment: This missense variant replaces leucine with valine at codon 810 of the CACNA1S protein. Computational prediction is inconclusive regarding the impact of this variant on protein structure and function. To our knowledge, functional studies have not been reported for this variant. This variant has not been reported in individuals affected with CACNA1S-related disorders in the literature. This variant has not been identified in the general population by the Genome Aggregation Database (gnomAD). The available evidence is insufficient to determine the role of this variant in disease conclusively. Therefore, this variant is classified as a Variant of Uncertain Significance.

NM_000069.3(CACNA1S):c.2428C>G (p.Leu810Val)

Gene: CACNA1S (calcium voltage-gated channel subunit alpha1 S; minus strand). Cytogenetic location: 1q32.1.
Variant type: single nucleotide variant.
Coding change: c.2428C>G on transcript NM_000069.3 (MANE Select); coding-DNA position 2428, C replaced by G.
Protein change: p.Leu810Val; replaces leucine 810 with valine.
Molecular consequence: missense variant.
Genome position (GRCh38, 1-based): chr1:201,069,534, G>C on the plus strand (C>G on the coding strand, the complement: CACNA1S is on the minus strand). VCF-style: chr1-201069534-G-C. GRCh37 (hg19) VCF-style: chr1-201038662-G-C.
Other names: short protein forms L810V.
Identifiers: ClinVar variation 4758337 (VCV004758337.1).
Genomic context (GRCh38, chr1:201,069,534, plus strand): 5'-GATTTCTCATGGAATCAGCCCGGATGGGGTCTTCCGCAGCCAGTGCAGCGCTGCTGAGCA[G>C]GATGAAGAGCAGGATGAAGTTGGTAAACCAGGTGGCATTGACGATGCGGTGACACAGGAC-3'
Protein context (NP_000060.2, residues 800-820): WFTNFILLFI[Leu810Val]LSSAALAAED